The following is an entry in ClinVar:

ClinVar aggregate classification (germline): Uncertain significance (1 of 4 stars; one submission).

Submission:

Labcorp Genetics (formerly Invitae), Labcorp
Classification: Uncertain significance. Last evaluated: 2022-06-22. Review status: criteria provided, single submitter. Criteria: Invitae Variant Classification Sherloc (09022015). Collection method: clinical testing. Allele origin: germline.
Comment: This variant has not been reported in the literature in individuals affected with FUK-related conditions. This variant is not present in population databases (gnomAD no frequency). This sequence change creates a premature translational stop signal (p.Pro916Leufs*31) in the FUK gene. It is expected to result in an absent or disrupted protein product. However, the current clinical and genetic evidence is not sufficient to establish whether loss-of-function variants in FUK cause disease. In summary, the available evidence is currently insufficient to determine the role of this variant in disease. Therefore, it has been classified as a Variant of Uncertain Significance.

NM_145059.3(FCSK):c.2747del (p.Pro916fs)

Gene: FCSK (fucose kinase; plus strand). Cytogenetic location: 16q22.1.
Variant type: Deletion.
Coding change: c.2747del on transcript NM_145059.3 (MANE Select); coding-DNA position 2747, one base deleted (C; older notation c.2747delC).
Protein change: p.Pro916fs; shifts the reading frame from proline 916.
Molecular consequence: frameshift variant.
Genome position (GRCh38, 1-based): chr16:70,478,377, C deleted; the last of 2 consecutive C bases (chr16:70,478,376-70,478,377); deleting either gives the same sequence. VCF-style (leftmost placement, unchanged base first): chr16-70478375-GC-G. GRCh37 (hg19) VCF-style: chr16-70512278-GC-G.
Other names: short protein forms P916fs.
Identifiers: ClinVar variation 2009172 (VCV002009172.4), dbSNP rs2507451132, ClinGen allele CA2580091953.